The following is an entry in ClinVar:

ClinVar aggregate classification (germline): Uncertain significance (1 of 4 stars; one submission).

Conditions:
Tuberous sclerosis 1 (TSC1). Identifiers: Orphanet 805, MedGen C1854465, MONDO:0008612, OMIM 191100.

Allele frequency attached by ClinVar (database versions not stated): gnomAD exomes below 0.00001.
gnomAD v4.1: 1 of 1,614,050 alleles (0.000062%); highest among the groups gnomAD compares: Non-Finnish European, 0.000085%; no homozygotes.

Submission:

Labcorp Genetics (formerly Invitae), Labcorp
Classification: Uncertain significance for Tuberous sclerosis 1. Last evaluated: 2023-07-19. Review status: criteria provided, single submitter. Criteria: Invitae Variant Classification Sherloc (09022015). Collection method: clinical testing. Allele origin: germline.
Comment: This sequence change replaces glycine, which is neutral and non-polar, with serine, which is neutral and polar, at codon 449 of the TSC1 protein (p.Gly449Ser). This variant is not present in population databases (gnomAD no frequency). This variant has not been reported in the literature in individuals affected with TSC1-related conditions. Advanced modeling of protein sequence and biophysical properties (such as structural, functional, and spatial information, amino acid conservation, physicochemical variation, residue mobility, and thermodynamic stability) performed at Invitae indicates that this missense variant is not expected to disrupt TSC1 protein function. In summary, the available evidence is currently insufficient to determine the role of this variant in disease. Therefore, it has been classified as a Variant of Uncertain Significance.

NM_000368.5(TSC1):c.1345G>A (p.Gly449Ser)

Gene: TSC1 (TSC complex subunit 1; minus strand). Cytogenetic location: 9q34.13.
Variant type: single nucleotide variant.
Coding change: c.1345G>A on transcript NM_000368.5 (MANE Select); coding-DNA position 1345, G replaced by A.
Protein change: p.Gly449Ser; replaces glycine 449 with serine.
Molecular consequence: missense variant. On other transcripts: non-coding transcript variant (5).
Genome position (GRCh38, 1-based): chr9:132,906,824, C>T on the plus strand (G>A on the coding strand, the complement: TSC1 is on the minus strand). VCF-style: chr9-132906824-C-T. GRCh37 (hg19) VCF-style: chr9-135782211-C-T.
Other names: c.1345G>A, p.Gly449Ser (NM_001406602.1, NM_001406605.1, NM_001406601.1 and 7 more transcripts); c.1342G>A, p.Gly448Ser (NM_001406603.1, NM_001406604.1, NM_001406598.1 and 6 more transcripts); c.982G>A, p.Gly328Ser (NM_001406617.1, NM_001406618.1, NM_001406619.1 and 5 more transcripts); c.979G>A, p.Gly327Ser (NM_001406620.1, NM_001406621.1, NM_001406622.1 and 2 more transcripts); c.394G>A, p.Gly132Ser (NM_001406626.1); c.1192G>A, p.Gly398Ser (NM_001162427.2, NM_001406610.1); c.1189G>A, p.Gly397Ser (NM_001406611.1, NM_001406612.1, NM_001406613.1); c.391G>A, p.Gly131Ser (NM_001406627.1, NM_001406628.1); and 1 more; short protein forms G131S, G328S, G448S, G132S, G327S, G98S, G397S, G398S.
Identifiers: ClinVar variation 2744873 (VCV002744873.3), dbSNP rs2131868276, ClinGen allele CA375366041.